The following is an entry in ClinVar:

NM_130384.3(ATRIP):c.332A>T (p.Asn111Ile)

Genes: ATRIP (ATR interacting protein; plus strand), ATRIP-TREX1 (ATRIP-TREX1 readthrough; plus strand). Cytogenetic location: 3p21.31.
Variant type: single nucleotide variant.
Coding change: c.332A>T on transcript NM_130384.3 (MANE Select); coding-DNA position 332, A replaced by T.
Protein change: p.Asn111Ile; replaces asparagine 111 with isoleucine.
Molecular consequence: missense variant. On other transcripts: non-coding transcript variant (1), 5 prime UTR variant (1).
Genome position (GRCh38, 1-based): chr3:48,450,121, A>T. VCF-style: chr3-48450121-A-T. GRCh37 (hg19) VCF-style: chr3-48491527-A-T.
Other names: c.-133A>T (NM_001271022.2); c.53A>T, p.Asn18Ile (NM_001271023.2); c.332A>T, p.Asn111Ile (NM_032166.4); short protein forms N111I, N18I.
Identifiers: ClinVar variation 2246840 (VCV002246840.3), dbSNP rs754491690, ClinGen allele CA2375941.

ClinVar aggregate classification (germline): Uncertain significance (1 of 4 stars; one submission).

Allele frequency attached by ClinVar (database versions not stated): ExAC 0.00001; gnomAD exomes 0.00001.
gnomAD v4.1: 8 of 1,613,170 alleles (0.0005%); highest among the groups gnomAD compares: Non-Finnish European, 0.00068%; no homozygotes.

Submission:

Ambry Genetics
Classification: Uncertain significance. Last evaluated: 2024-11-24. Review status: criteria provided, single submitter. Criteria: Ambry Variant Classification Scheme 2023. Collection method: clinical testing. Allele origin: germline.
Comment: The p.N111I variant (also known as c.332A>T), located in coding exon 2 of the ATRIP gene, results from an A to T substitution at nucleotide position 332. The asparagine at codon 111 is replaced by isoleucine, an amino acid with dissimilar properties. This amino acid position is conserved. In addition, this alteration is predicted to be tolerated by in silico analysis. Based on the available evidence, the clinical significance of this variant remains unclear.